The following is an entry in ClinVar:

NM_000264.5(PTCH1):c.1435del (p.Leu479fs)

Gene: PTCH1 (patched 1; minus strand). Cytogenetic location: 9q22.32.
Variant type: Deletion.
Coding change: c.1435del on transcript NM_000264.5 (MANE Select); coding-DNA position 1435, one base deleted (C; older notation c.1435delC).
Protein change: p.Leu479fs; shifts the reading frame from leucine 479.
Molecular consequence: frameshift variant. On other transcripts: non-coding transcript variant (1), intron variant (1).
Genome position (GRCh38, 1-based): chr9:95,477,615, G deleted on the plus strand (C on the coding strand, the reverse complement: PTCH1 is on the minus strand). VCF-style (leftmost placement, unchanged base first): chr9-95477614-AG-A. GRCh37 (hg19) VCF-style: chr9-98239896-AG-A.
Other names: c.1237del, p.Leu413fs (NM_001083602.3); c.1432del, p.Leu478fs (NM_001083603.3); c.982del, p.Leu328fs (NM_001083604.3, NM_001083605.3, NM_001083606.3 and 1 more transcripts); c.1347+440del (NM_001354918.2); short protein forms L328fs, L413fs, L478fs, L479fs.
Identifiers: ClinVar variation 2813062 (VCV002813062.3), dbSNP rs2538205218, ClinGen allele CA2739264782.

ClinVar aggregate classification (germline): Pathogenic (1 of 4 stars; one submission).

Conditions:
Gorlin syndrome. Also called: Nevoid Basal Cell Carcinoma Syndrome; Basal cell nevus syndrome. Identifiers: Orphanet 377, MedGen C0004779, MONDO:0007187.

Submission:

Labcorp Genetics (formerly Invitae), Labcorp
Classification: Pathogenic for Gorlin syndrome. Last evaluated: 2022-11-09. Review status: criteria provided, single submitter. Criteria: Invitae Variant Classification Sherloc (09022015). Collection method: clinical testing. Allele origin: germline.
Comment: This variant has not been reported in the literature in individuals affected with PTCH1-related conditions. For these reasons, this variant has been classified as Pathogenic. This variant is not present in population databases (gnomAD no frequency). This sequence change creates a premature translational stop signal (p.Leu479Cysfs*12) in the PTCH1 gene. It is expected to result in an absent or disrupted protein product. Loss-of-function variants in PTCH1 are known to be pathogenic (PMID: 16301862, 16419085).

Literature cited by the submitters: PubMed 16301862; PubMed 16419085.